The following is an entry in ClinVar:

NM_001009944.3(PKD1):c.782del (p.Gly261fs)

Gene: PKD1 (polycystin 1, transient receptor potential channel interacting; minus strand). Cytogenetic location: 16p13.3.
Variant type: Deletion.
Coding change: c.782del on transcript NM_001009944.3 (MANE Select); coding-DNA position 782, one base deleted (G; older notation c.782delG).
Protein change: p.Gly261fs; shifts the reading frame from glycine 261.
Molecular consequence: frameshift variant.
Genome position (GRCh38, 1-based): chr16:2,118,210, C deleted on the plus strand (G on the coding strand, the reverse complement: PKD1 is on the minus strand); the first of 4 consecutive C bases (chr16:2,118,210-2,118,213); deleting any one gives the same sequence. VCF-style (leftmost placement, unchanged base first): chr16-2118209-GC-G. GRCh37 (hg19) VCF-style: chr16-2168210-GC-G.
Other names: c.782del, p.Gly261fs (NM_000296.4); short protein forms G261fs.
Identifiers: ClinVar variation 3066235 (VCV003066235.1), dbSNP rs2544879677, ClinGen allele CA2631140681.

ClinVar aggregate classification (germline): Pathogenic (1 of 4 stars; one submission).

Conditions:
Polycystic kidney disease, adult type (PKD1). Also called: Polycystic Kidney, Autosomal Dominant; POLYCYSTIC KIDNEY DISEASE 1 WITH OR WITHOUT POLYCYSTIC LIVER DISEASE; Polycystic Kidney Disease 1, Autosomal Dominant; Polycystic kidney disease 1; Polycystic kidney disease 1, severe; POLYCYSTIC KIDNEY DISEASE, ADULT, TYPE I. Identifiers: MedGen C3149841, MONDO:0008263, OMIM 173900.

Submission:

MVZ Medizinische Genetik Mainz
Classification: Pathogenic for Polycystic kidney disease, adult type. Last evaluated: 2024-02-28. Review status: criteria provided, single submitter. Criteria: UK Practice Guidelines For Variant Classification V4 01 2020. Collection method: clinical testing. Allele origin: germline. Inheritance: Autosomal dominant inheritance. Affected: yes. Observed: 1 variant allele.
Comment: ACMG Criteria: PVS1,PM2_SUP,PP4